The following is an entry in ClinVar:

ClinVar aggregate classification (germline): Likely benign. Review status: criteria provided, multiple submitters, no conflicts (2 of 4 stars). 2 submissions from 2 submitters: Likely benign (2). Last evaluated 2024-02-19.

Allele frequency attached by ClinVar (database versions not stated): gnomAD exomes 0.00001; ExAC 0.00002.
gnomAD v4.1: 13 of 1,614,128 alleles (0.00081%); highest among the groups gnomAD compares: South Asian, 0.0088%; no homozygotes.

Submissions (2):

Labcorp Genetics (formerly Invitae), Labcorp
Classification: Likely benign. Last evaluated: 2024-02-19. Review status: criteria provided, single submitter. Criteria: Invitae Variant Classification Sherloc (09022015). Collection method: clinical testing. Allele origin: germline.

GeneDx
Classification: Likely benign. Last evaluated: 2017-08-02. Review status: criteria provided, single submitter. Criteria: GeneDx Variant Classification (06012015). Collection method: clinical testing. Allele origin: germline. Affected: yes.
Comment: This variant is considered likely benign or benign based on one or more of the following criteria: it is a conservative change, it occurs at a poorly conserved position in the protein, it is predicted to be benign by multiple in silico algorithms, and/or has population frequency not consistent with disease.

NM_001374385.1(ATP8B1):c.1395C>T (p.Thr465=)

Gene: ATP8B1 (ATPase phospholipid transporting 8B1; minus strand). Cytogenetic location: 18q21.31.
Variant type: single nucleotide variant.
Coding change: c.1395C>T on transcript NM_001374385.1 (MANE Select); coding-DNA position 1395, C replaced by T.
Protein change: p.Thr465=; no amino-acid change (threonine 465 retained).
Molecular consequence: synonymous variant.
Genome position (GRCh38, 1-based): chr18:57,688,333, G>A on the plus strand (C>T on the coding strand, the complement: ATP8B1 is on the minus strand). VCF-style: chr18-57688333-G-A. GRCh37 (hg19) VCF-style: chr18-55355565-G-A.
Other names: c.1245C>T, p.Thr415= (NM_001374386.1); c.1395C>T, p.Thr465= (NM_005603.6).
Identifiers: ClinVar variation 510999 (VCV000510999.3), dbSNP rs762838957, ClinGen allele CA8974597.